The following is an entry in ClinVar:

NM_001457.4(FLNB):c.1138T>C (p.Tyr380His)

Gene: FLNB (filamin B; plus strand). Cytogenetic location: 3p14.3.
Variant type: single nucleotide variant.
Coding change: c.1138T>C on transcript NM_001457.4 (MANE Select); coding-DNA position 1138, T replaced by C.
Protein change: p.Tyr380His; replaces tyrosine 380 with histidine.
Molecular consequence: missense variant.
Genome position (GRCh38, 1-based): chr3:58,097,968, T>C. VCF-style: chr3-58097968-T-C. GRCh37 (hg19) VCF-style: chr3-58083695-T-C.
Other names: c.1138T>C, p.Tyr380His (NM_001164317.2, NM_001164318.2, NM_001164319.2); c.1138T>C (NM_001457.3); short protein forms Y380H.
Identifiers: ClinVar variation 3611232 (VCV003611232.3).
Genomic context (GRCh38, chr3:58,097,968, plus strand): 5'-AAAGGTCCAGGGTTGGAAGCTGTAGGGAACATCGCCAATAAGCCCACCTACTTTGACATC[T>C]ATACGGCAGGTAACGTGCCTCTCCTCCATGGATCTGACCTTTGCGCTTTCTTCCAGAGGC-3'
Protein context (NP_001448.2, residues 370-390): IANKPTYFDI[Tyr380His]TAGAGVGDIG

ClinVar aggregate classification (germline): Uncertain significance. Review status: criteria provided, multiple submitters, no conflicts (2 of 4 stars). 2 submissions from 2 submitters: Uncertain significance (2). Last evaluated 2025-09-11.

Conditions:
Inborn genetic diseases. Identifiers: MedGen C0950123, MeSH D030342.

gnomAD v4.1: 1 of 1,614,076 alleles (0.000062%); highest among the groups gnomAD compares: Non-Finnish European, 0.000085%; no homozygotes.

Submissions (2):

Ambry Genetics
Classification: Uncertain significance for Inborn genetic diseases. Last evaluated: 2025-09-11. Review status: criteria provided, single submitter. Criteria: Ambry Variant Classification Scheme 2023. Collection method: clinical testing. Allele origin: germline.

Labcorp Genetics (formerly Invitae), Labcorp
Classification: Uncertain significance. Last evaluated: 2024-08-09. Review status: criteria provided, single submitter. Criteria: Invitae Variant Classification Sherloc (09022015). Collection method: clinical testing. Allele origin: germline.
Comment: This sequence change replaces tyrosine, which is neutral and polar, with histidine, which is basic and polar, at codon 380 of the FLNB protein (p.Tyr380His). This variant is not present in population databases (gnomAD no frequency). This variant has not been reported in the literature in individuals affected with FLNB-related conditions. Advanced modeling of protein sequence and biophysical properties (such as structural, functional, and spatial information, amino acid conservation, physicochemical variation, residue mobility, and thermodynamic stability) performed at Invitae indicates that this missense variant is not expected to disrupt FLNB protein function with a negative predictive value of 95%. In summary, the available evidence is currently insufficient to determine the role of this variant in disease. Therefore, it has been classified as a Variant of Uncertain Significance.